The following is an entry in ClinVar:

NM_014795.4(ZEB2):c.829G>A (p.Ala277Thr)

Gene: ZEB2 (zinc finger E-box binding homeobox 2; minus strand). Cytogenetic location: 2q22.3.
Variant type: single nucleotide variant.
Coding change: c.829G>A on transcript NM_014795.4 (MANE Select); coding-DNA position 829, G replaced by A.
Protein change: p.Ala277Thr; replaces alanine 277 with threonine.
Molecular consequence: missense variant.
Genome position (GRCh38, 1-based): chr2:144,401,286, C>T on the plus strand (G>A on the coding strand, the complement: ZEB2 is on the minus strand). VCF-style: chr2-144401286-C-T. GRCh37 (hg19) VCF-style: chr2-145158853-C-T.
Other names: c.757G>A, p.Ala253Thr (NM_001171653.2); short protein forms A253T, A277T.
Identifiers: ClinVar variation 1052110 (VCV001052110.10), dbSNP rs369668612, ClinGen allele CA1898405.

ClinVar aggregate classification (germline): Conflicting classifications of pathogenicity. Review status: criteria provided, conflicting classifications (1 of 4 stars). 2 submissions from 2 submitters: Uncertain significance (1); Likely benign (1). Last evaluated 2025-08-05.

Conditions:
Inborn genetic diseases. Identifiers: MedGen C0950123, MeSH D030342.
Mowat-Wilson syndrome (MOWS). Also called: Classic Mowat-Wilson Syndrome. Identifiers: Orphanet 2152, MedGen C1856113, MONDO:0009341, OMIM 235730.

Allele frequency attached by ClinVar (database versions not stated): gnomAD exomes below 0.00001; ExAC 0.00001; TOPMed 0.00001; gnomAD 0.00002; ESP Exome Variant Server 0.00008.
gnomAD v4.1: 4 of 1,614,030 alleles (0.00025%); highest among the groups gnomAD compares: African/African-American, 0.0053%; no homozygotes.

Submissions (2):

Ambry Genetics
Classification: Likely benign for Inborn genetic diseases. Last evaluated: 2025-08-05. Review status: criteria provided, single submitter. Criteria: Ambry Variant Classification Scheme 2023. Collection method: clinical testing. Allele origin: germline.

Labcorp Genetics (formerly Invitae), Labcorp
Classification: Uncertain significance for Mowat-Wilson syndrome. Last evaluated: 2024-10-24. Review status: criteria provided, single submitter. Criteria: Invitae Variant Classification Sherloc (09022015). Collection method: clinical testing. Allele origin: germline.
Comment: This sequence change replaces alanine, which is neutral and non-polar, with threonine, which is neutral and polar, at codon 277 of the ZEB2 protein (p.Ala277Thr). This variant is present in population databases (rs369668612, gnomAD 0.008%). This variant has not been reported in the literature in individuals affected with ZEB2-related conditions. ClinVar contains an entry for this variant (Variation ID: 1052110). Invitae Evidence Modeling of protein sequence and biophysical properties (such as structural, functional, and spatial information, amino acid conservation, physicochemical variation, residue mobility, and thermodynamic stability) indicates that this missense variant is not expected to disrupt ZEB2 protein function with a negative predictive value of 80%. In summary, the available evidence is currently insufficient to determine the role of this variant in disease. Therefore, it has been classified as a Variant of Uncertain Significance.